The following is an entry in ClinVar:

NM_001127198.5(TMC6):c.487C>A (p.His163Asn)

Gene: TMC6 (transmembrane channel like 6; minus strand). Cytogenetic location: 17q25.3.
Variant type: single nucleotide variant.
Coding change: c.487C>A on transcript NM_001127198.5 (MANE Select); coding-DNA position 487, C replaced by A.
Protein change: p.His163Asn; replaces histidine 163 with asparagine.
Molecular consequence: missense variant. On other transcripts: non-coding transcript variant (4).
Genome position (GRCh38, 1-based): chr17:78,125,207, G>T on the plus strand (C>A on the coding strand, the complement: TMC6 is on the minus strand). VCF-style: chr17-78125207-G-T. GRCh37 (hg19) VCF-style: chr17-76121288-G-T.
Other names: c.487C>A, p.His163Asn (NM_001321185.1, NM_001374593.1, NM_001374594.1 and 4 more transcripts); short protein forms H163N.
Identifiers: ClinVar variation 2113955 (VCV002113955.4), dbSNP rs2510661248, ClinGen allele CA401234029.

ClinVar aggregate classification (germline): Uncertain significance (1 of 4 stars; one submission).

Conditions:
Epidermodysplasia verruciformis. Identifiers: Orphanet 302, MedGen C0014522, MONDO:0009176.

Submission:

Labcorp Genetics (formerly Invitae), Labcorp
Classification: Uncertain significance for Epidermodysplasia verruciformis. Last evaluated: 2023-12-11. Review status: criteria provided, single submitter. Criteria: Invitae Variant Classification Sherloc (09022015). Collection method: clinical testing. Allele origin: germline.
Comment: This sequence change replaces histidine, which is basic and polar, with asparagine, which is neutral and polar, at codon 163 of the TMC6 protein (p.His163Asn). This variant is not present in population databases (gnomAD no frequency). This variant has not been reported in the literature in individuals affected with TMC6-related conditions. ClinVar contains an entry for this variant (Variation ID: 2113955). An algorithm developed to predict the effect of missense changes on protein structure and function (PolyPhen-2) suggests that this variant is likely to be tolerated. In summary, the available evidence is currently insufficient to determine the role of this variant in disease. Therefore, it has been classified as a Variant of Uncertain Significance.